The following is an entry in ClinVar:

ClinVar aggregate classification (germline): Likely pathogenic (1 of 4 stars; one submission).

Submission:

Centre of Medical Genetics, University Hospital Muenster
Classification: Likely pathogenic. Last evaluated: 2024-11-25. Review status: criteria provided, single submitter. Criteria: ACMG Guidelines, 2015. Collection method: clinical testing. Allele origin: unknown. Affected: yes. Observed: 1 variant allele.
Comment: ACMG categories: PVS1,PM2_sup

NM_004187.5(KDM5C):c.3300+2T>A

Gene: KDM5C (lysine demethylase 5C; minus strand). Cytogenetic location: Xp11.22.
Variant type: single nucleotide variant.
Coding change: c.3300+2T>A on transcript NM_004187.5 (MANE Select); the canonical splice donor site of the intron after coding-DNA position 3300, T replaced by A.
Molecular consequence: splice donor variant.
Genome position (GRCh38, 1-based): chrX:53,195,229, A>T on the plus strand (T>A on the coding strand, the complement: KDM5C is on the minus strand). VCF-style: chrX-53195229-A-T. GRCh37 (hg19) VCF-style: chrX-53224411-A-T.
Other names: c.3297+2T>A (NM_001353982.2, NM_001353979.2, NM_001282622.3); c.3300+2T>A (NM_001353981.2, NM_001353984.2, NM_001353978.3); c.3099+2T>A (NM_001146702.2).
Identifiers: ClinVar variation 3383434 (VCV003383434.2).